The following is an entry in ClinVar:

ClinVar aggregate classification (germline): Likely benign (1 of 4 stars; one submission).

Allele frequency attached by ClinVar (database versions not stated): TOPMed 0.00399; gnomAD 0.00538 and 0.00568.

Submission:

GeneDx
Classification: Likely benign. Last evaluated: 2018-06-16. Review status: criteria provided, single submitter. Criteria: GeneDx Variant Classification (06012015). Collection method: clinical testing. Allele origin: germline. Affected: yes.
Comment: This variant is considered likely benign or benign based on one or more of the following criteria: it is a conservative change, it occurs at a poorly conserved position in the protein, it is predicted to be benign by multiple in silico algorithms, and/or has population frequency not consistent with disease.

NM_006514.4(SCN10A):c.270+133_270+134insT

Gene: SCN10A (sodium voltage-gated channel alpha subunit 10; minus strand). Cytogenetic location: 3p22.2.
Variant type: Insertion.
Coding change: c.270+133_270+134insT on transcript NM_006514.4 (MANE Select); bases 133 to 134 of the intron after coding-DNA position 270, T inserted.
Molecular consequence: intron variant.
Genome position: GRCh38 VCF-style: chr3-38793607-T-TA. GRCh37 (hg19) VCF-style: chr3-38835098-T-TA.
Other names: c.270+133_270+134insT (NM_001293307.2, NM_001293306.2).
Identifiers: ClinVar variation 670897 (VCV000670897.1), dbSNP rs200798617, ClinGen allele CA72963376.